The following is an entry in ClinVar:

NM_004187.5(KDM5C):c.3138dup (p.Cys1047fs)

Gene: KDM5C (lysine demethylase 5C; minus strand). Cytogenetic location: Xp11.22.
Variant type: Duplication.
Coding change: c.3138dup on transcript NM_004187.5 (MANE Select); coding-DNA position 3138, one base duplicated (C; older notation c.3138dupC).
Protein change: p.Cys1047fs; shifts the reading frame from cysteine 1047.
Molecular consequence: frameshift variant. On other transcripts: non-coding transcript variant (3).
Genome position (GRCh38, 1-based): chrX:53,195,393, G duplicated on the plus strand (C on the coding strand, the reverse complement: KDM5C is on the minus strand); the first of 4 consecutive G bases (chrX:53,195,393-53,195,396); duplicating any one gives the same sequence. VCF-style (leftmost placement, unchanged base first): chrX-53195392-A-AG. GRCh37 (hg19) VCF-style: chrX-53224574-A-AG.
Other names: c.2937dup, p.Cys980fs (NM_001146702.2); c.3135dup, p.Cys1046fs (NM_001282622.3, NM_001353979.2, NM_001353982.2); c.3138dup, p.Cys1047fs (NM_001353978.3, NM_001353981.2, NM_001353984.2); short protein forms C1046fs, C1047fs, C980fs.
Identifiers: ClinVar variation 4854946 (VCV004854946.1).

ClinVar aggregate classification (germline): Likely pathogenic (1 of 4 stars; one submission).

Conditions:
Intellectual developmental disorder, X-linked, syndromic, Claes-Jensen type. Also called: Syndromic X-linked intellectual disability Claes-Jensen type; INTELLECTUAL DEVELOPMENTAL DISORDER, X-LINKED, SYNDROMIC 16; MENTAL RETARDATION, X-LINKED, SYNDROMIC 16. Identifiers: Orphanet 85279, MedGen C1845243, MONDO:0010355, OMIM 300534.

Submission:

3billion
Classification: Likely pathogenic for Intellectual developmental disorder, X-linked, syndromic, Claes-Jensen type. Last evaluated: 2026-01-11. Review status: criteria provided, single submitter. Criteria: ACMG Guidelines, 2015. Collection method: clinical testing. Allele origin: germline. Affected: yes.
Comment: The variant is not observed in the gnomAD v4.1.0 dataset. Predicted Consequence/Location: Frameshift: predicted to result in a loss or disruption of normal protein function through nonsense-mediated decay (NMD) or protein truncation. Multiple pathogenic variants are reported downstream of the variant. Therefore, this variant is classified as Likely pathogenic according to the recommendation of ACMG/AMP guideline.